The following is an entry in ClinVar:

ClinVar aggregate classification (germline): Likely benign (1 of 4 stars; one submission).

gnomAD v4.1: 33 of 1,614,208 alleles (0.002%); highest among the groups gnomAD compares: East Asian, 0.029%; 1 homozygote.

Submission:

CeGaT Center for Human Genetics Tuebingen
Classification: Likely benign. Last evaluated: 2025-02-01. Review status: criteria provided, single submitter. Criteria: CeGaT Center For Human Genetics Tuebingen Variant Classification Criteria Version 2. Collection method: clinical testing. Allele origin: germline. Affected: yes. Observed: 1 variant allele.
Comment: SLC16A6: BP4, BP7

NM_004694.5(SLC16A6):c.1212T>C (p.Ile404=)

Genes: ARSG (arylsulfatase G; plus strand), SLC16A6 (solute carrier family 16 member 6; minus strand). Cytogenetic location: 17q24.2.
Variant type: single nucleotide variant.
Coding change: c.1212T>C on transcript NM_004694.5 (MANE Select); coding-DNA position 1212, T replaced by C.
Protein change: p.Ile404=; no amino-acid change (isoleucine 404 retained).
Molecular consequence: synonymous variant. On other transcripts: intron variant (3).
Genome position (GRCh38, 1-based): chr17:68,270,948, A>G on the plus strand (T>C on the coding strand, the complement: SLC16A6 is on the minus strand). VCF-style: chr17-68270948-A-G. GRCh37 (hg19) VCF-style: chr17-66267089-A-G.
Other names: c.1212T>C, p.Ile404= (NM_001174166.2); c.-552+11522A>G (NM_001352904.2, NM_014960.5, NM_001352903.2).
Identifiers: ClinVar variation 3771330 (VCV003771330.13).